The following is an entry in ClinVar:

NM_206933.4(USH2A):c.15149T>C (p.Leu5050Pro)

Gene: USH2A (usherin; minus strand). Cytogenetic location: 1q41.
Variant type: single nucleotide variant.
Coding change: c.15149T>C on transcript NM_206933.4 (MANE Select); coding-DNA position 15149, T replaced by C.
Protein change: p.Leu5050Pro; replaces leucine 5050 with proline.
Molecular consequence: missense variant.
Genome position (GRCh38, 1-based): chr1:215,634,607, A>G on the plus strand (T>C on the coding strand, the complement: USH2A is on the minus strand). VCF-style: chr1-215634607-A-G. GRCh37 (hg19) VCF-style: chr1-215807949-A-G.
Other names: short protein forms L5050P.
Identifiers: ClinVar variation 1526387 (VCV001526387.2), dbSNP rs2102630593, ClinGen allele CA344824135.
Genomic context (GRCh38, chr1:215,634,607, plus strand): 5'-TCTTTGTGGATTTTTCTTTGTAGTATCAGGGACAGAAAAATGGCCAACAAGATCAAGCCC[A>G]GCATCGCCATTAACACTATGAACCACAGCTCGCTGTAGAACTCTGTGCTTTTGCTCCGCG-3'
Protein context (NP_996816.3, residues 5040-5060): ELWFIVLMAM[Leu5050Pro]GLILLAIFLS

ClinVar aggregate classification (germline): Uncertain significance (1 of 4 stars; one submission).

Submission:

GeneDx
Classification: Uncertain significance. Last evaluated: 2022-02-02. Review status: criteria provided, single submitter. Criteria: GeneDx Variant Classification Process June 2021. Collection method: clinical testing. Allele origin: germline. Affected: yes.
Comment: Not observed at significant frequency in large population cohorts (gnomAD); In silico analysis supports that this missense variant has a deleterious effect on protein structure/function; Has not been previously published as pathogenic or benign to our knowledge